The following is an entry in ClinVar:

NM_005984.5(SLC25A1):c.841C>T (p.Pro281Ser)

Gene: SLC25A1 (solute carrier family 25 member 1; minus strand). Cytogenetic location: 22q11.21.
Variant type: single nucleotide variant.
Coding change: c.841C>T on transcript NM_005984.5 (MANE Select); coding-DNA position 841, C replaced by T.
Protein change: p.Pro281Ser; replaces proline 281 with serine.
Molecular consequence: missense variant. On other transcripts: non-coding transcript variant (1).
Genome position (GRCh38, 1-based): chr22:19,176,225, G>A on the plus strand (C>T on the coding strand, the complement: SLC25A1 is on the minus strand). VCF-style: chr22-19176225-G-A. GRCh37 (hg19) VCF-style: chr22-19163738-G-A.
Other names: c.841C>T (NM_005984.2); c.862C>T, p.Pro288Ser (NM_001256534.2); c.532C>T, p.Pro178Ser (NM_001287387.2); short protein forms P178S, P281S, P288S.
Identifiers: ClinVar variation 2078471 (VCV002078471.4), dbSNP rs369371707, ClinGen allele CA10097251.

ClinVar aggregate classification (germline): Uncertain significance. Review status: criteria provided, multiple submitters, no conflicts (2 of 4 stars). 2 submissions from 2 submitters: Uncertain significance (2). Last evaluated 2025-01-19.

Conditions:
Inborn genetic diseases. Identifiers: MedGen C0950123, MeSH D030342.

Allele frequency attached by ClinVar (database versions not stated): ExAC 0.00004; TOPMed 0.00005; gnomAD 0.00007; ESP Exome Variant Server 0.00015.
gnomAD v4.1: 136 of 1,613,104 alleles (0.0084%); highest among the groups gnomAD compares: Non-Finnish European, 0.011%; no homozygotes.

Submissions (2):

Ambry Genetics
Classification: Uncertain significance for Inborn genetic diseases. Last evaluated: 2025-01-19. Review status: criteria provided, single submitter. Criteria: Ambry Variant Classification Scheme 2023. Collection method: clinical testing. Allele origin: germline.

Labcorp Genetics (formerly Invitae), Labcorp
Classification: Uncertain significance. Last evaluated: 2022-08-22. Review status: criteria provided, single submitter. Criteria: Invitae Variant Classification Sherloc (09022015). Collection method: clinical testing. Allele origin: germline.
Comment: In summary, the available evidence is currently insufficient to determine the role of this variant in disease. Therefore, it has been classified as a Variant of Uncertain Significance. Algorithms developed to predict the effect of missense changes on protein structure and function (SIFT, PolyPhen-2, Align-GVGD) all suggest that this variant is likely to be disruptive. This variant has not been reported in the literature in individuals affected with SLC25A1-related conditions. This variant is present in population databases (rs369371707, gnomAD 0.008%). This sequence change replaces proline, which is neutral and non-polar, with serine, which is neutral and polar, at codon 281 of the SLC25A1 protein (p.Pro281Ser).